The following is an entry in ClinVar:

ClinVar aggregate classification (germline): Uncertain significance (1 of 4 stars; one submission).

Submission:

GeneDx
Classification: Uncertain significance. Last evaluated: 2022-07-25. Review status: criteria provided, single submitter. Criteria: GeneDx Variant Classification Process June 2021. Collection method: clinical testing. Allele origin: germline. Affected: yes.
Comment: Not observed at significant frequency in large population cohorts (gnomAD); In silico analysis supports that this missense variant has a deleterious effect on protein structure/function; In silico analysis suggests this variant may impact gene splicing. In the absence of RNA/functional studies, the actual effect of this sequence change is unknown.; Has not been previously published as pathogenic or benign to our knowledge

NM_014991.6(WDFY3):c.1471A>G (p.Arg491Gly)

Gene: WDFY3 (WD repeat and FYVE domain containing 3; minus strand). Cytogenetic location: 4q21.23.
Variant type: single nucleotide variant.
Coding change: c.1471A>G on transcript NM_014991.6 (MANE Select); coding-DNA position 1471, A replaced by G.
Protein change: p.Arg491Gly; replaces arginine 491 with glycine.
Molecular consequence: missense variant.
Genome position (GRCh38, 1-based): chr4:84,821,204, T>C on the plus strand (A>G on the coding strand, the complement: WDFY3 is on the minus strand). VCF-style: chr4-84821204-T-C. GRCh37 (hg19) VCF-style: chr4-85742357-T-C.
Other names: short protein forms R491G.
Identifiers: ClinVar variation 2412892 (VCV002412892.3), dbSNP rs1754007748, ClinGen allele CA357571943.